The following is an entry in ClinVar:

NM_002454.3(MTRR):c.943G>A (p.Val315Met)

Gene: MTRR (5-methyltetrahydrofolate-homocysteine methyltransferase reductase; plus strand). Cytogenetic location: 5p15.31.
Variant type: single nucleotide variant.
Coding change: c.943G>A on transcript NM_002454.3 (MANE Select); coding-DNA position 943, G replaced by A.
Protein change: p.Val315Met; replaces valine 315 with methionine.
Molecular consequence: missense variant. On other transcripts: non-coding transcript variant (14).
Genome position (GRCh38, 1-based): chr5:7,885,740, G>A. VCF-style: chr5-7885740-G-A. GRCh37 (hg19) VCF-style: chr5-7885853-G-A.
Other names: c.943G>A, p.Val315Met (NM_001364440.2, NM_001364441.2, NM_001364442.2 and 1 more transcripts); short protein forms V315M.
Identifiers: ClinVar variation 2051709 (VCV002051709.1), dbSNP rs773646971, ClinGen allele CA3195772.

ClinVar aggregate classification (germline): Uncertain significance (1 of 4 stars; one submission).

Conditions:
Methylcobalamin deficiency type cblE (HMAE). Also called: HOMOCYSTINURIA-MEGALOBLASTIC ANEMIA, cblE COMPLEMENTATION TYPE; VITAMIN B12-RESPONSIVE HOMOCYSTINURIA, cblE TYPE; HOMOCYSTINURIA-MEGALOBLASTIC ANEMIA, cblE TYPE. Identifiers: Orphanet 2169, Orphanet 622, MedGen C1856057, MONDO:0009354, OMIM 236270.

Allele frequency attached by ClinVar (database versions not stated): gnomAD exomes 0.00002; ExAC 0.00003.
gnomAD v4.1: 30 of 1,612,980 alleles (0.0019%); highest among the groups gnomAD compares: Admixed American, 0.005%; no homozygotes.

Submission:

Labcorp Genetics (formerly Invitae), Labcorp
Classification: Uncertain significance for Methylcobalamin deficiency type cblE. Last evaluated: 2022-01-27. Review status: criteria provided, single submitter. Criteria: Invitae Variant Classification Sherloc (09022015). Collection method: clinical testing. Allele origin: germline.
Comment: This sequence change replaces valine, which is neutral and non-polar, with methionine, which is neutral and non-polar, at codon 315 of the MTRR protein (p.Val315Met). This variant is present in population databases (rs773646971, gnomAD 0.009%). This variant has not been reported in the literature in individuals affected with MTRR-related conditions. Algorithms developed to predict the effect of missense changes on protein structure and function are either unavailable or do not agree on the potential impact of this missense change (SIFT: "Deleterious"; PolyPhen-2: "Probably Damaging"; Align-GVGD: "Class C0"). In summary, the available evidence is currently insufficient to determine the role of this variant in disease. Therefore, it has been classified as a Variant of Uncertain Significance.